The following is an entry in ClinVar:

NM_000268.4(NF2):c.1268A>C (p.Lys423Thr)

Gene: NF2 (NF2, moesin-ezrin-radixin like (MERLIN) tumor suppressor; plus strand). Cytogenetic location: 22q12.2.
Variant type: single nucleotide variant.
Coding change: c.1268A>C on transcript NM_000268.4 (MANE Select); coding-DNA position 1268, A replaced by C.
Protein change: p.Lys423Thr; replaces lysine 423 with threonine.
Molecular consequence: missense variant. On other transcripts: non-coding transcript variant (1), intron variant (1).
Genome position (GRCh38, 1-based): chr22:29,673,414, A>C. VCF-style: chr22-29673414-A-C. GRCh37 (hg19) VCF-style: chr22-30069403-A-C.
Other names: c.1154A>C, p.Lys385Thr (NM_001407053.1, NM_001407056.1); c.1145A>C, p.Lys382Thr (NM_001407054.1, NM_001407058.1, NM_181829.3); c.1142A>C, p.Lys381Thr (NM_001407055.1, NM_181828.3); c.1133A>C, p.Lys378Thr (NM_001407057.1, NM_001407059.1); c.1268A>C, p.Lys423Thr (NM_001407060.1, NM_001407066.1, NM_016418.5 and 2 more transcripts); c.1010A>C, p.Lys337Thr (NM_001407062.1); c.1019A>C, p.Lys340Thr (NM_001407063.1, NM_001407064.1, NM_181830.3 and 1 more transcripts); c.734A>C, p.Lys245Thr (NM_001407065.1); and 2 more; short protein forms K340T, K378T, K385T, K245T, K337T, K346T, K381T, K382T.
Identifiers: ClinVar variation 1764532 (VCV001764532.8), dbSNP rs2147083382, ClinGen allele CA411148386.

ClinVar aggregate classification (germline): Uncertain significance. Review status: criteria provided, multiple submitters, no conflicts (2 of 4 stars). 2 submissions from 2 submitters: Uncertain significance (2). Last evaluated 2025-09-20.

Conditions:
Hereditary cancer-predisposing syndrome. Also called: Hereditary Cancer Syndrome; Hereditary neoplastic syndrome; Neoplastic Syndromes, Hereditary; Tumor predisposition. Identifiers: Orphanet 140162, MedGen C0027672, MeSH D009386, MONDO:0015356.
Neurofibromatosis, type 2 (SWNV). Also called: SCHWANNOMATOSIS, VESTIBULAR; NF2-Related Schwannomatosis; BILATERAL ACOUSTIC NEUROFIBROMATOSIS. Identifiers: Orphanet 637, MedGen C0027832, MONDO:0007039, OMIM 101000. Disease mechanism: loss of function.

Submissions (2):

Labcorp Genetics (formerly Invitae), Labcorp
Classification: Uncertain significance for Neurofibromatosis, type 2. Last evaluated: 2025-09-20. Review status: criteria provided, single submitter. Criteria: Invitae Variant Classification Sherloc (09022015). Collection method: clinical testing. Allele origin: germline.
Comment: This sequence change replaces lysine, which is basic and polar, with threonine, which is neutral and polar, at codon 423 of the NF2 protein (p.Lys423Thr). This variant is not present in population databases (gnomAD no frequency). This variant has not been reported in the literature in individuals affected with NF2-related conditions. ClinVar contains an entry for this variant (Variation ID: 1764532). Invitae Evidence Modeling of protein sequence and biophysical properties (such as structural, functional, and spatial information, amino acid conservation, physicochemical variation, residue mobility, and thermodynamic stability) indicates that this missense variant is not expected to disrupt NF2 protein function with a negative predictive value of 80%. In summary, the available evidence is currently insufficient to determine the role of this variant in disease. Therefore, it has been classified as a Variant of Uncertain Significance.

Ambry Genetics
Classification: Uncertain significance for Hereditary cancer-predisposing syndrome. Last evaluated: 2024-07-28. Review status: criteria provided, single submitter. Criteria: Ambry Variant Classification Scheme 2023. Collection method: clinical testing. Allele origin: germline.
Comment: The p.K423T variant (also known as c.1268A>C), located in coding exon 12 of the NF2 gene, results from an A to C substitution at nucleotide position 1268. The lysine at codon 423 is replaced by threonine, an amino acid with similar properties. This amino acid position is conserved. In addition, the in silico prediction for this alteration is inconclusive. Since supporting evidence is limited at this time, the clinical significance of this alteration remains unclear.